The following is an entry in ClinVar:

ClinVar aggregate classification (germline): Uncertain significance (1 of 4 stars; one submission).

Conditions:
Epidermolysis bullosa simplex with nail dystrophy (EBS5D). Identifiers: MedGen C4225309, MONDO:0014661, OMIM 616487.
Epidermolysis bullosa simplex, Ogna type (EBS5A). Also called: EPIDERMOLYSIS BULLOSA SIMPLEX 5A, OGNA TYPE; Pidermolysis bullosa simplex 5A, Ogna type. Identifiers: Orphanet 79401, MedGen C0432317, MONDO:0007555, OMIM 131950.
Epidermolysis bullosa simplex 5C, with pyloric atresia (EBS5C). Also called: PLEC1-Related Epidermolysis Bullosa with Pyloric Atresia; PLEC-Related Epidermolysis Bullosa with Pyloric Atresia; Epidermolysis bullosa simplex with pyloric atresia. Identifiers: Orphanet 158684, MedGen C2677349, MONDO:0012807, OMIM 612138.
Autosomal recessive limb-girdle muscular dystrophy type 2Q (LGMDR17). Also called: MUSCULAR DYSTROPHY, LIMB-GIRDLE, AUTOSOMAL RECESSIVE 17. Identifiers: Orphanet 254361, MedGen C3150989, MONDO:0013390, OMIM 613723.
Epidermolysis bullosa simplex 5B, with muscular dystrophy (EBS5B). Also called: EPIDERMOLYSIS BULLOSA SIMPLEX AND LIMB-GIRDLE MUSCULAR DYSTROPHY; Epidermolysis bullosa simplex with muscular dystrophy. Identifiers: Orphanet 257, MedGen C2931072, MONDO:0009181, OMIM 226670.

Allele frequency attached by ClinVar (database versions not stated): gnomAD exomes 0.00002; gnomAD 0.00003; TOPMed 0.00003.
gnomAD v4.1: 33 of 1,537,322 alleles (0.0021%); highest among the groups gnomAD compares: African/African-American, 0.0096%; no homozygotes.

Submission:

Labcorp Genetics (formerly Invitae), Labcorp
Classification: Uncertain significance for Autosomal recessive limb-girdle muscular dystrophy type 2Q; Epidermolysis bullosa simplex, Ogna type; Epidermolysis bullosa simplex with nail dystrophy; Epidermolysis bullosa simplex 5C, with pyloric atresia; Epidermolysis bullosa simplex 5B, with muscular dystrophy. Last evaluated: 2023-10-11. Review status: criteria provided, single submitter. Criteria: Invitae Variant Classification Sherloc (09022015). Collection method: clinical testing. Allele origin: germline.
Comment: This sequence change replaces arginine, which is basic and polar, with glutamine, which is neutral and polar, at codon 1788 of the PLEC protein (p.Arg1788Gln). This variant is present in population databases (no rsID available, gnomAD 0.007%). This variant has not been reported in the literature in individuals affected with PLEC-related conditions. Experimental studies and prediction algorithms are not available or were not evaluated, and the functional significance of this variant is currently unknown. In summary, the available evidence is currently insufficient to determine the role of this variant in disease. Therefore, it has been classified as a Variant of Uncertain Significance.

NM_201384.3(PLEC):c.5282G>A (p.Arg1761Gln)

Gene: PLEC (plectin; minus strand). Cytogenetic location: 8q24.3.
Variant type: single nucleotide variant.
Coding change: c.5282G>A on transcript NM_201384.3 (MANE Select); coding-DNA position 5282, G replaced by A.
Protein change: p.Arg1761Gln; replaces arginine 1761 with glutamine.
Molecular consequence: missense variant. On other transcripts: intron variant (1).
Genome position (GRCh38, 1-based): chr8:143,924,647, C>T on the plus strand (G>A on the coding strand, the complement: PLEC is on the minus strand). VCF-style: chr8-143924647-C-T. GRCh37 (hg19) VCF-style: chr8-144998815-C-T.
Other names: c.5363G>A, p.Arg1788Gln (NM_000445.5); c.5240G>A, p.Arg1747Gln (NM_201378.4); c.5216G>A, p.Arg1739Gln (NM_201379.3); c.5693G>A, p.Arg1898Gln (NM_201380.4); c.5186G>A, p.Arg1729Gln (NM_201381.3); c.5282G>A, p.Arg1761Gln (NM_201382.4); c.5294G>A, p.Arg1765Gln (NM_201383.3); c.4125+2137G>A (NM_001410941.1); short protein forms R1729Q, R1788Q, R1898Q, R1765Q, R1747Q, R1761Q, R1739Q.
Identifiers: ClinVar variation 2922619 (VCV002922619.3), dbSNP rs1017162309, ClinGen allele CA187615848.